The following is an entry in ClinVar:

ClinVar aggregate classification (germline): Likely benign. Review status: criteria provided, multiple submitters, no conflicts (2 of 4 stars). 4 submissions from 3 submitters: Likely benign (3). 1 of the submissions does not count toward it. Last evaluated 2018-03-07.

Conditions:
DYNC1H1-related disorder. Also called: DYNC1H1-related condition; DYNC1H1-related disorders. Identifiers: MedGen CN381529.
Charcot-Marie-Tooth disease axonal type 2O. Also called: CHARCOT-MARIE-TOOTH NEUROPATHY, AXONAL, TYPE 2O; CHARCOT-MARIE-TOOTH DISEASE, AXONAL, AUTOSOMAL DOMINANT, TYPE 2O; Charcot-Marie-Tooth Neuropathy Type 2O; Charcot-Marie-Tooth disease, axonal, type 20. Identifiers: Orphanet 284232, MedGen C3280220, MONDO:0013644, OMIM 614228.
Autosomal dominant cerebellar ataxia. Also called: Spinocerebellar Ataxia, Dominant. Identifiers: Orphanet 99, MedGen C4087347, MONDO:0020380.

Allele frequency attached by ClinVar (database versions not stated): gnomAD 0.00026; 1000 Genomes Project 0.00080; 1000 Genomes Project 30x 0.00094.
gnomAD v4.1: 67 of 1,582,192 alleles (0.0042%); highest among the groups gnomAD compares: African/African-American, 0.064%; no homozygotes.

Submissions (4):

GeneDx
Classification: Likely benign. Last evaluated: 2018-03-07. Review status: criteria provided, single submitter. Criteria: GeneDx Variant Classification (06012015). Collection method: clinical testing. Allele origin: germline. Affected: yes.
Comment: This variant is considered likely benign or benign based on one or more of the following criteria: it is a conservative change, it occurs at a poorly conserved position in the protein, it is predicted to be benign by multiple in silico algorithms, and/or has population frequency not consistent with disease.

Illumina Laboratory Services, Illumina
Classification: Likely benign for Spinocerebellar Ataxia, Dominant. Last evaluated: 2018-01-13. Review status: criteria provided, single submitter. Criteria: ICSL Variant Classification Criteria 13 December 2019. Collection method: clinical testing. Allele origin: germline.
Comment: This variant was observed in the ICSL laboratory as part of a predisposition screen in an ostensibly healthy population. It had not been previously curated by ICSL or reported in the Human Gene Mutation Database (HGMD: prior to June 1st, 2018), and was therefore a candidate for classification through an automated scoring system. Utilizing variant allele frequency, disease prevalence and penetrance estimates, and inheritance mode, an automated score was calculated to assess if this variant is too frequent to cause the disease. Based on the score and internal cut-off values, a variant classified as likely benign is not then subjected to further curation. The score for this variant resulted in a classification of likely benign for this disease.

Illumina Laboratory Services, Illumina
Classification: Likely benign for Charcot-Marie-Tooth disease axonal type 2O. Last evaluated: 2018-01-13. Review status: criteria provided, single submitter. Criteria: ICSL Variant Classification Criteria 13 December 2019. Collection method: clinical testing. Allele origin: germline.
Comment: the same text as in the submission from Illumina Laboratory Services, Illumina above.

PreventionGenetics, part of Exact Sciences
Classification: Likely benign for DYNC1H1-related condition. Last evaluated: 2024-06-19. Review status: no assertion criteria provided. Collection method: clinical testing. Allele origin: germline. Not counted in ClinVar's aggregate classification.
Comment: This variant is classified as likely benign based on ACMG/AMP sequence variant interpretation guidelines (Richards et al. 2015 PMID: 25741868, with internal and published modifications).

NM_001376.5(DYNC1H1):c.-13C>G

Gene: DYNC1H1 (dynein cytoplasmic 1 heavy chain 1; plus strand). Cytogenetic location: 14q32.31.
Variant type: single nucleotide variant.
Coding change: c.-13C>G on transcript NM_001376.5 (MANE Select); 13 bases upstream of the start codon, C replaced by G.
Molecular consequence: 5 prime UTR variant.
Genome position (GRCh38, 1-based): chr14:101,964,679, C>G. VCF-style: chr14-101964679-C-G. GRCh37 (hg19) VCF-style: chr14-102431016-C-G.
Identifiers: ClinVar variation 312614 (VCV000312614.7), dbSNP rs537857759, ClinGen allele CA7351426.
Genomic context (GRCh38, chr14:101,964,679, plus strand): 5'-TGTCTCTTGCTGGCTGTCTCGCTGAGTCGCGGCCGCCTTCTCATCGCTCCTGGAAGGTCC[C>G]GAGCGCGACACCATGTCGGAGCCCGGGGGCGGCGGCGGCGAGGACGGCTCGGCCGGATTG-3'